The following is an entry in ClinVar:

NM_022132.5(MCCC2):c.1567A>G (p.Ser523Gly)

Gene: MCCC2 (methylcrotonyl-CoA carboxylase subunit 2; plus strand). Cytogenetic location: 5q13.2.
Variant type: single nucleotide variant.
Coding change: c.1567A>G on transcript NM_022132.5 (MANE Select); coding-DNA position 1567, A replaced by G.
Protein change: p.Ser523Gly; replaces serine 523 with glycine.
Molecular consequence: missense variant.
Genome position (GRCh38, 1-based): chr5:71,652,747, A>G. VCF-style: chr5-71652747-A-G. GRCh37 (hg19) VCF-style: chr5-70948574-A-G.
Other names: c.1453A>G, p.Ser485Gly (NM_001363147.1); c.1567A>G (NM_022132.4); short protein forms S485G, S523G.
Identifiers: ClinVar variation 1210434 (VCV001210434.9), dbSNP rs1459143051, ClinGen allele CA360001979.

ClinVar aggregate classification (germline): Conflicting classifications of pathogenicity. Review status: criteria provided, conflicting classifications (1 of 4 stars). 4 submissions from 4 submitters: Likely pathogenic (2); Uncertain significance (2). Last evaluated 2024-09-19.

Conditions:
3-methylcrotonyl-CoA carboxylase 2 deficiency. Also called: METHYLCROTONYLGLYCINURIA, TYPE II; 3 alpha methylcrotonyl-CoA carboxylase 2 deficiency; 3 alpha methylcrotonylglycinuria 2; MCC 2 deficiency; Methylcrotonylglycinuria type 2. Identifiers: Orphanet 6, MedGen C1859499, MONDO:0008862, OMIM 210210.

Allele frequency attached by ClinVar (database versions not stated): gnomAD exomes below 0.00001.
gnomAD v4.1: 2 of 1,614,116 alleles (0.00012%); highest among the groups gnomAD compares: Non-Finnish European, 0.00017%; no homozygotes.

Submissions (4):

Labcorp Genetics (formerly Invitae), Labcorp
Classification: Uncertain significance for 3-methylcrotonyl-CoA carboxylase 2 deficiency. Last evaluated: 2024-09-19. Review status: criteria provided, single submitter. Criteria: Invitae Variant Classification Sherloc (09022015). Collection method: clinical testing. Allele origin: germline.
Comment: This sequence change replaces serine, which is neutral and polar, with glycine, which is neutral and non-polar, at codon 523 of the MCCC2 protein (p.Ser523Gly). This variant is not present in population databases (gnomAD no frequency). This missense change has been observed in individual(s) with clinical features of 3-methylcrotonyl-CoA carboxylase deficiency (PMID: 22264772, 22642865, 30626930). ClinVar contains an entry for this variant (Variation ID: 1210434). Invitae Evidence Modeling of protein sequence and biophysical properties (such as structural, functional, and spatial information, amino acid conservation, physicochemical variation, residue mobility, and thermodynamic stability) indicates that this missense variant is not expected to disrupt MCCC2 protein function with a negative predictive value of 80%. In summary, the available evidence is currently insufficient to determine the role of this variant in disease. Therefore, it has been classified as a Variant of Uncertain Significance.

Genome-Nilou Lab
Classification: Likely pathogenic for 3-methylcrotonyl-CoA carboxylase 2 deficiency. Last evaluated: 2021-07-22. Review status: criteria provided, single submitter. Criteria: ACMG Guidelines, 2015. Collection method: clinical testing. Allele origin: germline. Affected: no.

Revvity Omics, Revvity
Classification: Uncertain significance for 3-methylcrotonyl-CoA carboxylase 2 deficiency. Last evaluated: 2021-03-16. Review status: criteria provided, single submitter. Criteria: ACMG Guidelines, 2015. Collection method: clinical testing. Allele origin: germline.

Kariminejad - Najmabadi Pathology & Genetics Center
Classification: Likely pathogenic for 3-methylcrotonyl-CoA carboxylase 2 deficiency. Review status: criteria provided, single submitter. Criteria: ACMG Guidelines, 2015. Collection method: clinical testing. Allele origin: germline. Affected: no.

Literature cited by the submitters: PubMed 22264772 (cited by Labcorp Genetics (formerly Invitae), Labcorp); PubMed 22642865 (cited by Labcorp Genetics (formerly Invitae), Labcorp); PubMed 30626930 (cited by Labcorp Genetics (formerly Invitae), Labcorp).